The following is an entry in ClinVar:

ClinVar aggregate classification (germline): Uncertain significance (1 of 4 stars; one submission).

Conditions:
Tuberous sclerosis 1 (TSC1). Identifiers: Orphanet 805, MedGen C1854465, MONDO:0008612, OMIM 191100.

Allele frequency attached by ClinVar (database versions not stated): gnomAD exomes below 0.00001.
gnomAD v4.1: 1 of 1,614,130 alleles (0.000062%); highest among the groups gnomAD compares: Non-Finnish European, 0.000085%; no homozygotes.

Submission:

Labcorp Genetics (formerly Invitae), Labcorp
Classification: Uncertain significance for Tuberous sclerosis 1. Last evaluated: 2023-07-07. Review status: criteria provided, single submitter. Criteria: Invitae Variant Classification Sherloc (09022015). Collection method: clinical testing. Allele origin: germline.
Comment: This sequence change replaces proline, which is neutral and non-polar, with leucine, which is neutral and non-polar, at codon 583 of the TSC1 protein (p.Pro583Leu). This variant is not present in population databases (gnomAD no frequency). This variant has not been reported in the literature in individuals affected with TSC1-related conditions. ClinVar contains an entry for this variant (Variation ID: 1414242). Advanced modeling of protein sequence and biophysical properties (such as structural, functional, and spatial information, amino acid conservation, physicochemical variation, residue mobility, and thermodynamic stability) performed at Invitae indicates that this missense variant is not expected to disrupt TSC1 protein function. In summary, the available evidence is currently insufficient to determine the role of this variant in disease. Therefore, it has been classified as a Variant of Uncertain Significance.

NM_000368.5(TSC1):c.1748C>T (p.Pro583Leu)

Gene: TSC1 (TSC complex subunit 1; minus strand). Cytogenetic location: 9q34.13.
Variant type: single nucleotide variant.
Coding change: c.1748C>T on transcript NM_000368.5 (MANE Select); coding-DNA position 1748, C replaced by T.
Protein change: p.Pro583Leu; replaces proline 583 with leucine.
Molecular consequence: missense variant.
Genome position (GRCh38, 1-based): chr9:132,905,830, G>A on the plus strand (C>T on the coding strand, the complement: TSC1 is on the minus strand). VCF-style: chr9-132905830-G-A. GRCh37 (hg19) VCF-style: chr9-135781217-G-A.
Other names: c.1745C>T, p.Pro582Leu (NM_001162426.2); c.1595C>T, p.Pro532Leu (NM_001162427.2); c.1385C>T, p.Pro462Leu (NM_001362177.2); short protein forms P532L, P582L, P583L, P462L.
Identifiers: ClinVar variation 1414242 (VCV001414242.6), dbSNP rs2131827057, ClinGen allele CA375363804.